The following is an entry in ClinVar:

NM_001244008.2(KIF1A):c.1179C>T (p.Asp393=)

Gene: KIF1A (kinesin family member 1A; minus strand). Cytogenetic location: 2q37.3.
Variant type: single nucleotide variant.
Coding change: c.1179C>T on transcript NM_001244008.2 (MANE Select); coding-DNA position 1179, C replaced by T.
Protein change: p.Asp393=; no amino-acid change (aspartic acid 393 retained).
Molecular consequence: synonymous variant.
Genome position (GRCh38, 1-based): chr2:240,773,115, G>A on the plus strand (C>T on the coding strand, the complement: KIF1A is on the minus strand). VCF-style: chr2-240773115-G-A. GRCh37 (hg19) VCF-style: chr2-241712532-G-A.
Other names: c.1179C>T, p.Asp393= (NM_001320705.2, NM_001330289.2, NM_001330290.2 and 20 more transcripts).
Identifiers: ClinVar variation 389463 (VCV000389463.2), dbSNP rs779694088, ClinGen allele CA2208528.
Genomic context (GRCh38, chr2:240,773,115, plus strand): 5'-AGGCCCCTGAGCCTGAGGCCCCACAACCCTGTCCAGGACAGGCTGGAGCAGGCACTCACT[G>A]TCAGTGATGTCGCCAAGACCCTGGGCGTACAGAAGGTCCCGCAGCCGGGTCACCTCATCC-3'
Protein context (NP_001230937.1, residues 383-403): LYAQGLGDIT[Asp393=]TNTVPGGPKL

ClinVar aggregate classification (germline): Conflicting classifications of pathogenicity. Review status: criteria provided, conflicting classifications (1 of 4 stars). 2 submissions from 2 submitters: Uncertain significance (1); Likely benign (1). Last evaluated 2025-07-16.

Conditions:
Neuropathy, hereditary sensory, type 2C. Also called: KIF1A-Related HSAN2 (HSAN2C); Hereditary sensory and autonomic neuropathy type IIC. Identifiers: Orphanet 970, MedGen C3280168, MONDO:0013634, OMIM 614213.
Intellectual disability, autosomal dominant 9 (NESCAVS). Also called: NESCAV SYNDROME; KIF1A-Related Neurodevelopmental Disorder. Identifiers: Orphanet 662367, MedGen C5393830, MONDO:0013656, OMIM 614255.
Hereditary spastic paraplegia 30. Identifiers: Orphanet 101010, MedGen C5235139, MONDO:0012476.

Allele frequency attached by ClinVar (database versions not stated): gnomAD exomes below 0.00001 and 0.00001; ExAC 0.00001.

Submissions (2):

Labcorp Genetics (formerly Invitae), Labcorp
Classification: Uncertain significance for Hereditary spastic paraplegia 30; Neuropathy, hereditary sensory, type 2C; Intellectual disability, autosomal dominant 9. Last evaluated: 2025-07-16. Review status: criteria provided, single submitter. Criteria: Invitae Variant Classification Sherloc (09022015). Collection method: clinical testing. Allele origin: germline.
Comment: This sequence change affects codon 393 of the KIF1A mRNA. It is a 'silent' change, meaning that it does not change the encoded amino acid sequence of the KIF1A protein. It affects a nucleotide within the consensus splice site. This variant is present in population databases (rs779694088, gnomAD 0.007%). This variant has not been reported in the literature in individuals affected with KIF1A-related conditions. ClinVar contains an entry for this variant (Variation ID: 389463). Algorithms developed to predict the effect of sequence changes on RNA splicing suggest that this variant is not likely to affect RNA splicing. In summary, the available evidence is currently insufficient to determine the role of this variant in disease. Therefore, it has been classified as a Variant of Uncertain Significance.

GeneDx
Classification: Likely benign. Last evaluated: 2016-10-17. Review status: criteria provided, single submitter. Criteria: GeneDx Variant Classification (06012015). Collection method: clinical testing. Allele origin: germline. Affected: yes.
Comment: This variant is considered likely benign or benign based on one or more of the following criteria: it is a conservative change, it occurs at a poorly conserved position in the protein, it is predicted to be benign by multiple in silico algorithms, and/or has population frequency not consistent with disease.